The following is an entry in ClinVar:

ClinVar aggregate classification (germline): Uncertain significance (1 of 4 stars; one submission).

Submission:

Women's Health and Genetics/Laboratory Corporation of America, LabCorp
Classification: Uncertain significance. Last evaluated: 2026-06-26. Review status: criteria provided, single submitter. Criteria: LabCorp Variant Classification Summary - May 2015. Collection method: clinical testing. Allele origin: germline.
Comment: Variant summary: ZNF462 c.3855G>T (p.Lys1285Asn) results in a non-conservative amino acid change in the encoded protein sequence. Algorithms developed to predict the effect of missense changes on protein structure and function are either unavailable or do not agree on the potential impact of this missense change. The variant was absent in 251422 control chromosomes. The available data on variant occurrences in the general population are insufficient to allow any conclusion about variant significance. To our knowledge, no occurrence of c.3855G>T in individuals affected with ZNF462-related conditions and no experimental evidence demonstrating its impact on protein function have been reported. No submitters have cited clinical-significance assessments for this variant to ClinVar. Based on the evidence outlined above, the variant was classified as uncertain significance.

NM_021224.6(ZNF462):c.3855G>T (p.Lys1285Asn)

Gene: ZNF462 (zinc finger protein 462; plus strand). Cytogenetic location: 9q31.2.
Variant type: single nucleotide variant.
Coding change: c.3855G>T on transcript NM_021224.6 (MANE Select); coding-DNA position 3855, G replaced by T.
Protein change: p.Lys1285Asn; replaces lysine 1285 with asparagine.
Molecular consequence: missense variant. On other transcripts: intron variant (1).
Genome position (GRCh38, 1-based): chr9:106,927,767, G>T. VCF-style: chr9-106927767-G-T. GRCh37 (hg19) VCF-style: chr9-109690048-G-T.
Other names: c.3252+603G>T (NM_001347997.2); short protein forms K1285N.
Identifiers: ClinVar variation 4887655 (VCV004887655.1).